The following is an entry in ClinVar:

ClinVar aggregate classification (germline): Uncertain significance (1 of 4 stars; one submission).

Conditions:
Shprintzen-Goldberg syndrome (SGS). Also called: Marfanoid disorder with craniosynostosis type 1; Marfanoid craniosynostosis syndrome; Shprintzen-Goldberg marfanoid syndrome; SHPRINTZEN-GOLDBERG CRANIOSYNOSTOSIS SYNDROME; CRANIOSYNOSTOSIS WITH ARACHNODACTYLY AND ABDOMINAL HERNIAS. Identifiers: Orphanet 2462, MedGen C1321551, MONDO:0008426, OMIM 182212.

gnomAD v4.1: 3 of 1,596,194 alleles (0.00019%); highest among the groups gnomAD compares: Admixed American, 0.0035%; no homozygotes.

Submission:

Labcorp Genetics (formerly Invitae), Labcorp
Classification: Uncertain significance for Shprintzen-Goldberg syndrome. Last evaluated: 2024-09-11. Review status: criteria provided, single submitter. Criteria: Invitae Variant Classification Sherloc (09022015). Collection method: clinical testing. Allele origin: germline.
Comment: This sequence change replaces proline, which is neutral and non-polar, with serine, which is neutral and polar, at codon 196 of the SKI protein (p.Pro196Ser). This variant is not present in population databases (gnomAD no frequency). This variant has not been reported in the literature in individuals affected with SKI-related conditions. Invitae Evidence Modeling of protein sequence and biophysical properties (such as structural, functional, and spatial information, amino acid conservation, physicochemical variation, residue mobility, and thermodynamic stability) indicates that this missense variant is expected to disrupt SKI protein function with a positive predictive value of 95%. In summary, the available evidence is currently insufficient to determine the role of this variant in disease. Therefore, it has been classified as a Variant of Uncertain Significance.

NM_003036.4(SKI):c.586C>T (p.Pro196Ser)

Gene: SKI (SKI proto-oncogene; plus strand). Cytogenetic location: 1p36.33.
Variant type: single nucleotide variant.
Coding change: c.586C>T on transcript NM_003036.4 (MANE Select); coding-DNA position 586, C replaced by T.
Protein change: p.Pro196Ser; replaces proline 196 with serine.
Molecular consequence: missense variant.
Genome position (GRCh38, 1-based): chr1:2,229,352, C>T. VCF-style: chr1-2229352-C-T. GRCh37 (hg19) VCF-style: chr1-2160791-C-T.
Other names: short protein forms P196S.
Identifiers: ClinVar variation 3668538 (VCV003668538.2).